The following is an entry in ClinVar:

NM_144997.7(FLCN):c.523A>G (p.Ile175Val)

Gene: FLCN (folliculin; minus strand). Cytogenetic location: 17p11.2.
Variant type: single nucleotide variant.
Coding change: c.523A>G on transcript NM_144997.7 (MANE Select); coding-DNA position 523, A replaced by G.
Protein change: p.Ile175Val; replaces isoleucine 175 with valine.
Molecular consequence: missense variant.
Genome position (GRCh38, 1-based): chr17:17,224,017, T>C on the plus strand (A>G on the coding strand, the complement: FLCN is on the minus strand). VCF-style: chr17-17224017-T-C. GRCh37 (hg19) VCF-style: chr17-17127331-T-C.
Other names: c.577A>G, p.Ile193Val (NM_001353229.2); c.523A>G, p.Ile175Val (NM_001353230.2, NM_001353231.2, NM_144606.7); short protein forms I175V, I193V.
Identifiers: ClinVar variation 1041339 (VCV001041339.5), dbSNP rs1410036494, ClinGen allele CA398534369.
Genomic context (GRCh38, chr17:17,224,017, plus strand): 5'-CCCGGACCTTCCCCAGCAGGAAGGGCCAGGAGTTGATGAGGTAGATCCGGTCCATCATGA[T>C]GGTGATGATGCTGTACCAGCGCTGGAAGCCCCTGGCCAGGCTGTCCTTGATGAAGAAGGT-3'
Protein context (NP_659434.2, residues 165-185): GFQRWYSIIT[Ile175Val]MMDRIYLINS

ClinVar aggregate classification (germline): Uncertain significance (1 of 4 stars; one submission).

Conditions:
Birt-Hogg-Dube syndrome. Also called: Birt Hogg Dubé syndrome. Identifiers: Orphanet 122, MedGen C0346010, MONDO:0800444.

Allele frequency attached by ClinVar (database versions not stated): gnomAD exomes below 0.00001.

Submission:

Labcorp Genetics (formerly Invitae), Labcorp
Classification: Uncertain significance for Birt-Hogg-Dube syndrome. Last evaluated: 2020-10-08. Review status: criteria provided, single submitter. Criteria: Invitae Variant Classification Sherloc (09022015). Collection method: clinical testing. Allele origin: germline.
Comment: In summary, the available evidence is currently insufficient to determine the role of this variant in disease. Therefore, it has been classified as a Variant of Uncertain Significance. Algorithms developed to predict the effect of missense changes on protein structure and function (SIFT, PolyPhen-2, Align-GVGD) all suggest that this variant is likely to be tolerated, but these predictions have not been confirmed by published functional studies and their clinical significance is uncertain. This variant has not been reported in the literature in individuals with FLCN-related conditions. This variant is not present in population databases (ExAC no frequency). This sequence change replaces isoleucine with valine at codon 175 of the FLCN protein (p.Ile175Val). The isoleucine residue is moderately conserved and there is a small physicochemical difference between isoleucine and valine.